The following is an entry in ClinVar:

NM_000540.3(RYR1):c.2589_2590insT (p.Pro864fs)

Gene: RYR1 (ryanodine receptor 1; plus strand). Cytogenetic location: 19q13.2.
Variant type: Insertion.
Coding change: c.2589_2590insT on transcript NM_000540.3 (MANE Select); coding-DNA positions 2589 to 2590, T inserted.
Protein change: p.Pro864fs; shifts the reading frame from proline 864.
Molecular consequence: frameshift variant.
Genome position: GRCh38 VCF-style: chr19-38463434-G-GT. GRCh37 (hg19) VCF-style: chr19-38954074-G-GT.
Other names: c.2589_2590insT, p.Pro864fs (NM_001042723.2); short protein forms P864fs.
Identifiers: ClinVar variation 5003045 (VCV005003045.1).

ClinVar aggregate classification (germline): Likely pathogenic (1 of 4 stars; one submission).

Conditions:
Malignant hyperthermia, susceptibility to, 1 (MHS1). Also called: Malignant hyperthermia suceptibility 1; Anesthesia related hyperthermia; Malignant hyperpyrexia; Fulminating hyperpyrexia; Pharmacogenic myopathy; RYR1-Related Malignant Hyperthermia Susceptibility. Identifiers: Orphanet 423, MedGen C2930980, MONDO:0007783, OMIM 145600.

Submission:

OLLIN Analises Genomicas, OLLIN
Classification: Likely pathogenic for Malignant hyperthermia, susceptibility to, 1. Last evaluated: 2026-08-06. Review status: criteria provided, single submitter. Criteria: ACMG Guidelines 2015 PMID 25741868. Collection method: clinical testing. Allele origin: germline. Inheritance: Autosomal dominant inheritance.
Comment: This frameshift variant, located in exon 21 (of 106), is absent from gnomAD and ClinVar and has not been identified in the literature. This variant causes a frameshift and introduces a premature stop codon, which is predicted to result in either a truncated protein or degradation of the mRNA via nonsense-mediated decay (NMD). According to the currently available evidence, this variant has been classified as likely pathogenic (PVS1, PM2_P).